The following is an entry in ClinVar:

ClinVar aggregate classification (germline): Uncertain significance (1 of 4 stars; one submission).

Submission:

GeneDx
Classification: Uncertain significance. Last evaluated: 2018-01-05. Review status: criteria provided, single submitter. Criteria: GeneDx Variant Classification (06012015). Collection method: clinical testing. Allele origin: germline. Affected: yes.
Comment: The c.3640delG variant in the SIN3A gene has not been reported previously as a pathogenic variant nor as a benign variant, to our knowledge. The c.3640delG variant causes a frameshift, changing codon Valine 1214 to a premature Stop codon, denoted p.Val1214Ter. This variant is predicted to cause loss of normal protein function through protein truncation, although loss-of-function variants have not been reported downstream of this position in the protein. The c.3640delG variant is not observed in large population cohorts (Lek et al., 2016). We interpret c.3640delG as a variant of uncertain significance.

NM_001145358.2(SIN3A):c.3640del (p.Trp1213_Val1214insTer)

Gene: SIN3A (SIN3 transcription regulator family member A; minus strand). Cytogenetic location: 15q24.2.
Variant type: Deletion.
Coding change: c.3640del on transcript NM_001145358.2 (MANE Select); coding-DNA position 3640, one base deleted (G; older notation c.3640delG).
Protein change: p.Trp1213_Val1214insTer.
Molecular consequence: nonsense.
Genome position (GRCh38, 1-based): chr15:75,372,161, C deleted on the plus strand (G on the coding strand, the reverse complement: SIN3A is on the minus strand); the first of 3 consecutive C bases (chr15:75,372,161-75,372,163); deleting any one gives the same sequence. VCF-style (leftmost placement, unchanged base first): chr15-75372160-AC-A. GRCh37 (hg19) VCF-style: chr15-75664501-AC-A.
Other names: c.3640del, p.Trp1213_Val1214insTer (NM_001145357.2, NM_015477.3).
Identifiers: ClinVar variation 504080 (VCV000504080.2), dbSNP rs1555440521, ClinGen allele CA658798406.